The following is an entry in ClinVar:

ClinVar aggregate classification (germline): Pathogenic (1 of 4 stars; one submission).

Conditions:
Usher syndrome type 1G. Also called: USHER SYNDROME, TYPE IG, MILD. Identifiers: Orphanet 231169, Orphanet 886, MedGen C1847089, MONDO:0011748, OMIM 606943.

Submission:

King Laboratory, University of Washington
Classification: Pathogenic for Usher syndrome type 1G. Last evaluated: 2023-02-28. Review status: criteria provided, single submitter. Criteria: Li et al. (Genet Med. 2022). Collection method: research. Allele origin: unknown. Affected: yes.
Comment: This patient’s family has no other history of hearing loss. This variant is a single base pair deletion that leads to frameshift, which is predicted to lead to a premature stop at codon 443 of the 461-amino acid protein and within the protein’s sterile alpha motif (SAM) domain. As of January 2023, this variant has not been reported to ClinVar and is not found on gnomAD. Based on the prediction that this variant leads to a truncated protein, compound heterozygosity with a loss-of-function variant, and goodness of fit of genotype to phenotype, we conclude that this variant is pathogenic.

Literature cited by the submitters: PubMed 36633841.

NM_173477.5(USH1G):c.1324del (p.Ala442fs)

Gene: USH1G (USH1 protein network component sans; minus strand). Cytogenetic location: 17q25.1.
Variant type: Deletion.
Coding change: c.1324del on transcript NM_173477.5 (MANE Select); coding-DNA position 1324, one base deleted (G; older notation c.1324delG).
Protein change: p.Ala442fs; shifts the reading frame from alanine 442.
Molecular consequence: frameshift variant.
Genome position (GRCh38, 1-based): chr17:74,919,512, C deleted on the plus strand (G on the coding strand, the reverse complement: USH1G is on the minus strand); the first of 5 consecutive C bases (chr17:74,919,512-74,919,516); deleting any one gives the same sequence. VCF-style (leftmost placement, unchanged base first): chr17-74919511-GC-G. GRCh37 (hg19) VCF-style: chr17-72915606-GC-G.
Other names: c.1324delG (NM_173477.5); c.1015del, p.Ala339fs (NM_001282489.3); short protein forms A442fs, A339fs.
Identifiers: ClinVar variation 2445661 (VCV002445661.1), dbSNP rs2544427345, ClinGen allele CA2580095145.